The following is an entry in ClinVar:

ClinVar aggregate classification (germline): Uncertain significance. Review status: criteria provided, multiple submitters, no conflicts (2 of 4 stars). 3 submissions from 3 submitters: Uncertain significance (3). Last evaluated 2024-09-15.

Conditions:
RASopathy. Also called: Noonan spectrum disorder; rasopathies. Identifiers: Orphanet 536391, MedGen C5555857, MONDO:0021060.
Cardiofaciocutaneous syndrome 4 (CFC4). Also called: MAP2K2-Related Cardiofaciocutaneous Syndrome. Identifiers: Orphanet 1340, MedGen C3809007, MONDO:0014114, OMIM 615280.

gnomAD v4.1: 5 of 1,547,814 alleles (0.00032%); highest among the groups gnomAD compares: Non-Finnish European, 0.00043%; no homozygotes.

Submissions (3):

Labcorp Genetics (formerly Invitae), Labcorp
Classification: Uncertain significance for RASopathy. Last evaluated: 2024-09-15. Review status: criteria provided, single submitter. Criteria: Invitae Variant Classification Sherloc (09022015). Collection method: clinical testing. Allele origin: germline.
Comment: This sequence change replaces proline, which is neutral and non-polar, with arginine, which is basic and polar, at codon 16 of the MAP2K2 protein (p.Pro16Arg). This variant is not present in population databases (gnomAD no frequency). This variant has not been reported in the literature in individuals affected with MAP2K2-related conditions. Invitae Evidence Modeling of protein sequence and biophysical properties (such as structural, functional, and spatial information, amino acid conservation, physicochemical variation, residue mobility, and thermodynamic stability) has been performed for this missense variant. However, the output from this modeling did not meet the statistical confidence thresholds required to predict the impact of this variant on MAP2K2 protein function. In summary, the available evidence is currently insufficient to determine the role of this variant in disease. Therefore, it has been classified as a Variant of Uncertain Significance.

Fulgent Genetics
Classification: Uncertain significance for Cardiofaciocutaneous syndrome 4. Last evaluated: 2024-06-17. Review status: criteria provided, single submitter. Criteria: ACMG Guidelines, 2015. Collection method: clinical testing. Allele origin: germline.

GeneDx
Classification: Uncertain significance. Last evaluated: 2024-05-06. Review status: criteria provided, single submitter. Criteria: GeneDx Variant Classification Process June 2021. Collection method: clinical testing. Allele origin: germline. Affected: yes.
Comment: Not observed at significant frequency in large population cohorts (gnomAD); Missense variants in this gene are a common cause of disease and they are underrepresented in the general population; In silico analysis supports that this missense variant has a deleterious effect on protein structure/function; Has not been previously published as pathogenic or benign to our knowledge; This variant is associated with the following publications: (PMID: 29493581)

NM_030662.4(MAP2K2):c.47C>G (p.Pro16Arg)

Genes: MAP2K2 (mitogen-activated protein kinase kinase 2; minus strand), LOC130063193 (ATAC-STARR-seq lymphoblastoid silent region 9881; plus strand). Cytogenetic location: 19p13.3.
Variant type: single nucleotide variant.
Coding change: c.47C>G on transcript NM_030662.4 (MANE Select); coding-DNA position 47, C replaced by G.
Protein change: p.Pro16Arg; replaces proline 16 with arginine.
Molecular consequence: missense variant.
Genome position (GRCh38, 1-based): chr19:4,123,829, G>C on the plus strand (C>G on the coding strand, the complement: MAP2K2 is on the minus strand). VCF-style: chr19-4123829-G-C. GRCh37 (hg19) VCF-style: chr19-4123826-G-C.
Other names: short protein forms P16R.
Identifiers: ClinVar variation 3375926 (VCV003375926.4).